The following is an entry in ClinVar:

ClinVar aggregate classification (germline): Uncertain significance. Review status: criteria provided, multiple submitters, no conflicts (2 of 4 stars). 2 submissions from 2 submitters: Uncertain significance (2). Last evaluated 2025-02-03.

Conditions:
Hereditary cancer-predisposing syndrome. Also called: Neoplastic Syndromes, Hereditary; Hereditary neoplastic syndrome; Tumor predisposition; Hereditary Cancer Syndrome. Identifiers: Orphanet 140162, MedGen C0027672, MeSH D009386, MONDO:0015356.
Familial adenomatous polyposis 1 (FAP1). Also called: FAMILIAL ADENOMATOUS POLYPOSIS 1, ATTENUATED; POLYPOSIS, ADENOMATOUS INTESTINAL. Identifiers: MedGen C2713442, MONDO:0021056, OMIM 175100. Disease mechanism: loss of function.

Submissions (2):

Ambry Genetics
Classification: Uncertain significance for Hereditary cancer-predisposing syndrome. Last evaluated: 2025-02-03. Review status: criteria provided, single submitter. Criteria: Ambry Variant Classification Scheme 2023. Collection method: clinical testing. Allele origin: germline.
Comment: The p.L456I variant (also known as c.1366C>A), located in coding exon 10 of the APC gene, results from a C to A substitution at nucleotide position 1366. The leucine at codon 456 is replaced by isoleucine, an amino acid with highly similar properties. This amino acid position is conserved. In addition, in silico predictors for this gene do not accurately predict pathogenicity. Based on the available evidence, the clinical significance of this variant remains unclear.

Labcorp Genetics (formerly Invitae), Labcorp
Classification: Uncertain significance for Familial adenomatous polyposis 1. Last evaluated: 2024-04-09. Review status: criteria provided, single submitter. Criteria: Invitae Variant Classification Sherloc (09022015). Collection method: clinical testing. Allele origin: germline.
Comment: This sequence change replaces leucine, which is neutral and non-polar, with isoleucine, which is neutral and non-polar, at codon 456 of the APC protein (p.Leu456Ile). This variant is not present in population databases (gnomAD no frequency). This variant has not been reported in the literature in individuals affected with APC-related conditions. ClinVar contains an entry for this variant (Variation ID: 1394162). Advanced modeling of protein sequence and biophysical properties (such as structural, functional, and spatial information, amino acid conservation, physicochemical variation, residue mobility, and thermodynamic stability) performed at Invitae indicates that this missense variant is not expected to disrupt APC protein function with a negative predictive value of 95%. In summary, the available evidence is currently insufficient to determine the role of this variant in disease. Therefore, it has been classified as a Variant of Uncertain Significance.

NM_000038.6(APC):c.1366C>A (p.Leu456Ile)

Gene: APC (APC regulator of Wnt signaling pathway; plus strand). Cytogenetic location: 5q22.2.
Variant type: single nucleotide variant.
Coding change: c.1366C>A on transcript NM_000038.6 (MANE Select); coding-DNA position 1366, C replaced by A.
Protein change: p.Leu456Ile; replaces leucine 456 with isoleucine.
Molecular consequence: missense variant.
Genome position (GRCh38, 1-based): chr5:112,821,949, C>A. VCF-style: chr5-112821949-C-A. GRCh37 (hg19) VCF-style: chr5-112157646-C-A.
Other names: c.1366C>A, p.Leu456Ile (NM_001127510.3, NM_001354895.2, NM_001354896.2); c.1312C>A, p.Leu438Ile (NM_001127511.3); c.1396C>A, p.Leu466Ile (NM_001354897.2); c.1291C>A, p.Leu431Ile (NM_001354898.2); c.1282C>A, p.Leu428Ile (NM_001354899.2); c.1189C>A, p.Leu397Ile (NM_001354900.2, NM_001354901.2); c.1093C>A, p.Leu365Ile (NM_001354902.2); c.1063C>A, p.Leu355Ile (NM_001354903.2); and 4 more; short protein forms L296I, L330I, L438I, L466I, L355I, L397I, L431I, L173I.
Identifiers: ClinVar variation 1394162 (VCV001394162.9), dbSNP rs876660195, ClinGen allele CA16024295.